The following is an entry in ClinVar:

ClinVar aggregate classification (germline): Conflicting classifications of pathogenicity. Review status: criteria provided, conflicting classifications (1 of 4 stars). 6 submissions from 5 submitters: Uncertain significance (5); Likely benign (1). Last evaluated 2025-12-15.

Conditions:
Cardiovascular phenotype. Identifiers: MedGen CN230736.
Hereditary cancer-predisposing syndrome. Also called: Hereditary Cancer Syndrome; Neoplastic Syndromes, Hereditary; Tumor predisposition; Hereditary neoplastic syndrome. Identifiers: Orphanet 140162, MedGen C0027672, MeSH D009386, MONDO:0015356.
Neurofibromatosis, type 1 (NF1). Also called: Neurofibromatosis, type I; VON RECKLINGHAUSEN DISEASE; NEUROFIBROMATOSIS, TYPE I, SOMATIC; Peripheral type neurofibromatosis. Identifiers: Orphanet 636, MedGen C0027831, MONDO:0018975, OMIM 162200. Disease mechanism: loss of function.
Juvenile myelomonocytic leukemia (JMML). Also called: LEUKEMIA, JUVENILE MYELOMONOCYTIC, SOMATIC. Identifiers: Orphanet 86834, MedGen C0349639, MONDO:0011908, OMIM 607785, HP:0012209.

Submissions (6):

Labcorp Genetics (formerly Invitae), Labcorp
Classification: Likely benign for Neurofibromatosis, type 1. Last evaluated: 2025-12-15. Review status: criteria provided, single submitter. Criteria: Invitae Variant Classification Sherloc (09022015). Collection method: clinical testing. Allele origin: germline.

GeneDx
Classification: Uncertain significance. Last evaluated: 2024-06-25. Review status: criteria provided, single submitter. Criteria: GeneDx Variant Classification Process June 2021. Collection method: clinical testing. Allele origin: germline. Affected: yes.
Comment: Not observed at significant frequency in large population cohorts (gnomAD); In silico analysis indicates that this missense variant does not alter protein structure/function; Has not been previously published as pathogenic or benign to our knowledge

Baylor Genetics
Classification: Uncertain significance for Juvenile myelomonocytic leukemia. Last evaluated: 2023-11-30. Review status: criteria provided, single submitter. Criteria: ACMG Guidelines, 2015. Collection method: clinical testing. Allele origin: unknown.

Genome-Nilou Lab
Classification: Uncertain significance for Neurofibromatosis, type 1. Last evaluated: 2022-03-15. Review status: criteria provided, single submitter. Criteria: ACMG Guidelines, 2015. Collection method: clinical testing. Allele origin: germline. Affected: no.

Ambry Genetics
Classification: Uncertain significance for Cardiovascular phenotype; Hereditary cancer-predisposing syndrome. Last evaluated: 2020-09-17. Review status: criteria provided, single submitter. Criteria: Ambry Variant Classification Scheme 2023. Collection method: clinical testing. Allele origin: germline.

Ambry Genetics
Classification: Uncertain significance for Hereditary cancer-predisposing syndrome. Last evaluated: 2015-10-23. Review status: criteria provided, single submitter. Criteria: Ambry Autosomal Dominant and X-Linked criteria (10/2015). Collection method: clinical testing. Allele origin: germline. Observed: 1 variant allele.
Comment: Thep.V437D variant (also known as c.1310T>A), located in coding exon 12 of theNF1 gene, results from a T to A substitution at nucleotide position 1310. The valine at codon 437 is replaced by aspartic acid, an amino acid with highly dissimilar properties. This variant was not reported in population based cohorts in the following databases: Database of Single Nucleotide Polymorphisms (dbSNP), NHLBI Exome Sequencing Project (ESP), and 1000 Genomes Project. In the ESP, this variant was not observed in 6503 samples (13006 alleles) with coverage at this position. To date, this alteration has been detected with an allele frequency of approximately 0.004% (greater than 55000 alleles tested) in our clinical cohort. Based on sequence alignment, this amino acid position is highly conserved through reptiles. In addition, this alteration is predicted to be benign and tolerated by PolyPhen and SIFTin silico analyses, respectively. Since supporting evidence is limited at this time, the clinical significance of p.V437D remains unclear.

NM_001042492.3(NF1):c.1310T>A (p.Val437Asp)

Gene: NF1 (neurofibromin 1; plus strand). Cytogenetic location: 17q11.2.
Variant type: single nucleotide variant.
Coding change: c.1310T>A on transcript NM_001042492.3 (MANE Select); coding-DNA position 1310, T replaced by A.
Protein change: p.Val437Asp; replaces valine 437 with aspartic acid.
Molecular consequence: missense variant.
Genome position (GRCh38, 1-based): chr17:31,206,289, T>A. VCF-style: chr17-31206289-T-A. GRCh37 (hg19) VCF-style: chr17-29533307-T-A.
Other names: c.1310T>A, p.Val437Asp (NM_000267.4, NM_001128147.3); short protein forms V437D.
Identifiers: ClinVar variation 230574 (VCV000230574.16), dbSNP rs876658642, ClinGen allele CA10580219.